The following is an entry in ClinVar:

ClinVar aggregate classification (germline): Pathogenic. Review status: criteria provided, multiple submitters, no conflicts (2 of 4 stars). 2 submissions from 2 submitters: Pathogenic (2). Last evaluated 2021-08-30.

Conditions:
Familial adenomatous polyposis 1 (FAP1). Also called: FAMILIAL ADENOMATOUS POLYPOSIS 1, ATTENUATED; POLYPOSIS, ADENOMATOUS INTESTINAL. Identifiers: MedGen C2713442, MONDO:0021056, OMIM 175100. Disease mechanism: loss of function.

Submissions (2):

Labcorp Genetics (formerly Invitae), Labcorp
Classification: Pathogenic for Familial adenomatous polyposis 1. Last evaluated: 2021-08-30. Review status: criteria provided, single submitter. Criteria: Invitae Variant Classification Sherloc (09022015). Collection method: clinical testing. Allele origin: germline.
Comment: This variant is expected to disrupt the EB1 and HDLG binding sites, which mediate interactions with the cytoskeleton (PMID: 15311282, 17293347). While functional studies have not been performed to directly test the effect on APC protein function, this suggests that disruption of the C-terminal portion of the protein is functionally important. This sequence change creates a premature translational stop signal (p.Arg1273*) in the APC gene. While this is not anticipated to result in nonsense mediated decay, it is expected to disrupt the last 1571 amino acid(s) of the APC protein. This variant is not present in population databases (ExAC no frequency). This premature translational stop signal has been observed in individual(s) with familial adenomatous polyposis (PMID: 11668620). This variant is also known as 3544A>T. For these reasons, this variant has been classified as Pathogenic. A different truncation (p.Tyr2645Lysfs*14) that lies downstream of this variant has been determined to be pathogenic (PMID: 9824584, 1316610, 27081525, 8381579, 22135120, Invitae). This suggests that deletion of this region of the APC protein is causative of disease.

ARUP Laboratories, Molecular Genetics and Genomics, ARUP Laboratories
Classification: Pathogenic. Last evaluated: 2021-01-04. Review status: criteria provided, single submitter. Criteria: ARUP Molecular Germline Variant Investigation Process 2021. Collection method: clinical testing. Allele origin: germline.
Comment: The APC c.3817A>T; p.Arg1273Ter variant, to our knowledge, is not reported in the medical literature or gene specific databases. This variant is also absent from general population databases (Exome Variant Server, Genome Aggregation Database), indicating it is not a common polymorphism. This variant results in a premature termination codon in the last exon of the APC gene. While this may not lead to nonsense-mediated decay, it is expected to create a truncated APC protein lacking several critical functional domains (Moseley 2007, Wen 2004). Additionally, other truncating variants downstream of this variant have been described in individuals with familial adenomatous polyposis (Bisgaard 2004, Burger 2011). Based on available information, this variant is considered to be pathogenic. References: Bisgaard ML et al. Mutation analysis of the adenomatous polyposis coli (APC) gene in Danish patients with familial adenomatous polyposis (FAP). Hum Mutat. 2004;23(5):522. Burger B et al. Prevalence of skin lesions in familial adenomatous polyposis: a marker for presymptomatic diagnosis?. Oncologist. 2011;16(12):1698-1705. Moseley JB et al. Regulated binding of adenomatous polyposis coli protein to actin. J Biol Chem. 2007;282(17):12661-12668. Wen Y et al. EB1 and APC bind to mDia to stabilize microtubules downstream of Rho and promote cell migration. Nat Cell Biol. 2004;6(9):820-830.

Literature cited by the submitters: PubMed 15311282 (cited by Labcorp Genetics (formerly Invitae), Labcorp); PubMed 17293347 (cited by Labcorp Genetics (formerly Invitae), Labcorp); PubMed 11668620 (cited by Labcorp Genetics (formerly Invitae), Labcorp); PubMed 9824584 (cited by Labcorp Genetics (formerly Invitae), Labcorp); PubMed 1316610 (cited by Labcorp Genetics (formerly Invitae), Labcorp); PubMed 27081525 (cited by Labcorp Genetics (formerly Invitae), Labcorp); PubMed 8381579 (cited by Labcorp Genetics (formerly Invitae), Labcorp); PubMed 22135120 (cited by Labcorp Genetics (formerly Invitae), Labcorp).

NM_000038.6(APC):c.3817A>T (p.Arg1273Ter)

Gene: APC (APC regulator of Wnt signaling pathway; plus strand). Cytogenetic location: 5q22.2.
Variant type: single nucleotide variant.
Coding change: c.3817A>T on transcript NM_000038.6 (MANE Select); coding-DNA position 3817, A replaced by T.
Protein change: p.Arg1273Ter; replaces arginine 1273 with a stop codon.
Molecular consequence: nonsense.
Genome position (GRCh38, 1-based): chr5:112,839,411, A>T. VCF-style: chr5-112839411-A-T. GRCh37 (hg19) VCF-style: chr5-112175108-A-T.
Other names: c.3817A>T, p.Arg1273Ter (NM_001127510.3, NM_001354895.2); c.3763A>T, p.Arg1255Ter (NM_001127511.3); c.3871A>T, p.Arg1291Ter (NM_001354896.2); c.3847A>T, p.Arg1283Ter (NM_001354897.2); c.3742A>T, p.Arg1248Ter (NM_001354898.2); c.3733A>T, p.Arg1245Ter (NM_001354899.2); c.3694A>T, p.Arg1232Ter (NM_001354900.2); c.3640A>T, p.Arg1214Ter (NM_001354901.2); and 5 more; short protein forms R1113*, R1147*, R1172*, R1182*, R1214*, R1232*, R1245*, R1248*.
Identifiers: ClinVar variation 1330521 (VCV001330521.13), dbSNP rs2149899615, ClinGen allele CA16029705.